The following is an entry in ClinVar:

NM_024577.4(SH3TC2):c.926T>C (p.Ile309Thr)

Gene: SH3TC2 (SH3 domain and tetratricopeptide repeats 2; minus strand). Cytogenetic location: 5q32.
Variant type: single nucleotide variant.
Coding change: c.926T>C on transcript NM_024577.4 (MANE Select); coding-DNA position 926, T replaced by C.
Protein change: p.Ile309Thr; replaces isoleucine 309 with threonine.
Molecular consequence: missense variant.
Genome position (GRCh38, 1-based): chr5:149,038,370, A>G on the plus strand (T>C on the coding strand, the complement: SH3TC2 is on the minus strand). VCF-style: chr5-149038370-A-G. GRCh37 (hg19) VCF-style: chr5-148417933-A-G.
Other names: short protein forms I309T.
Identifiers: ClinVar variation 840555 (VCV000840555.7), dbSNP rs1754317366, ClinGen allele CA361672663.
Genomic context (GRCh38, chr5:149,038,370, plus strand): 5'-TCAGGATCTATGTTCCTGGTGGGGACAAAGCCCACTTGTCCTGAACTTGTCGACTTTCCA[A>G]TGAACCACTGAAGCCCAGGTATGACAAAGCCGATGATCTCAATGCTTTCTCCCTGGTAGA-3'
Protein context (NP_078853.2, residues 299-319): GFVIPGLQWF[Ile309Thr]GKSTSSGQVG

ClinVar aggregate classification (germline): Uncertain significance (1 of 4 stars; one submission).

Conditions:
Charcot-Marie-Tooth disease type 4. Also called: Charcot-Marie-Tooth, Type 4; Charcot-Marie-Tooth disease, type IV. Identifiers: Orphanet 64749, MedGen C4082197, MONDO:0018995.

Allele frequency attached by ClinVar (database versions not stated): gnomAD exomes below 0.00001.
gnomAD v4.1: 2 of 1,614,220 alleles (0.00012%); highest among the groups gnomAD compares: East Asian, 0.0022%; no homozygotes.

Submission:

Labcorp Genetics (formerly Invitae), Labcorp
Classification: Uncertain significance for Charcot-Marie-Tooth disease type 4. Last evaluated: 2022-07-11. Review status: criteria provided, single submitter. Criteria: Invitae Variant Classification Sherloc (09022015). Collection method: clinical testing. Allele origin: germline.
Comment: This missense change has been observed in individual(s) with Charcot-Marie-Tooth disease (PMID: 30001926; Invitae). In at least one individual the data is consistent with being in trans (on the opposite chromosome) from a pathogenic variant. This variant is not present in population databases (gnomAD no frequency). This sequence change replaces isoleucine, which is neutral and non-polar, with threonine, which is neutral and polar, at codon 309 of the SH3TC2 protein (p.Ile309Thr). ClinVar contains an entry for this variant (Variation ID: 840555). In summary, the available evidence is currently insufficient to determine the role of this variant in disease. Therefore, it has been classified as a Variant of Uncertain Significance. Advanced modeling of protein sequence and biophysical properties (such as structural, functional, and spatial information, amino acid conservation, physicochemical variation, residue mobility, and thermodynamic stability) performed at Invitae indicates that this missense variant is not expected to disrupt SH3TC2 protein function.

Literature cited by the submitters: PubMed 30001926.